The following is an entry in ClinVar:

ClinVar aggregate classification (germline): Uncertain significance (1 of 4 stars; one submission).

Conditions:
Combined oxidative phosphorylation defect type 17. Also called: Combined oxidative phosphorylation deficiency 17. Identifiers: Orphanet 369913, MedGen C3809526, MONDO:0014190, OMIM 615440.

Submission:

Labcorp Genetics (formerly Invitae), Labcorp
Classification: Uncertain significance for Combined oxidative phosphorylation defect type 17. Last evaluated: 2022-09-27. Review status: criteria provided, single submitter. Criteria: Invitae Variant Classification Sherloc (09022015). Collection method: clinical testing. Allele origin: germline.
Comment: This sequence change results in a frameshift in the ELAC2 gene (p.Asp756Leufs*112). While this is not anticipated to result in nonsense mediated decay, it is expected to disrupt the last 71 amino acid(s) of the ELAC2 protein and extend the protein by 40 additional amino acid residues. This variant is not present in population databases (gnomAD no frequency). This variant has not been reported in the literature in individuals affected with ELAC2-related conditions. ClinVar contains an entry for this variant (Variation ID: 847719). Experimental studies and prediction algorithms are not available or were not evaluated, and the functional significance of this variant is currently unknown. In summary, the available evidence is currently insufficient to determine the role of this variant in disease. Therefore, it has been classified as a Variant of Uncertain Significance.

NM_018127.7(ELAC2):c.2266_2267del (p.Asp756fs)

Gene: ELAC2 (elaC ribonuclease Z 2; minus strand). Cytogenetic location: 17p12.
Variant type: Microsatellite.
Coding change: c.2266_2267del on transcript NM_018127.7 (MANE Select); coding-DNA positions 2266 to 2267, 2 bases deleted (GA; older notation c.2266_2267delGA).
Protein change: p.Asp756fs; shifts the reading frame from aspartic acid 756.
Molecular consequence: frameshift variant.
Genome position (GRCh38, 1-based): chr17:12,993,032-12,993,033, TC deleted on the plus strand (GA on the coding strand, the reverse complement: ELAC2 is on the minus strand); deleting any 2 consecutive bases within chr17:12,993,032-12,993,035 gives the same sequence; the c. name uses the placement nearest the transcript's 3' end. VCF-style (leftmost placement, unchanged base first): chr17-12993031-GTC-G. GRCh37 (hg19) VCF-style: chr17-12896348-GTC-G.
Other names: c.2146_2147del, p.Asp716fs (NM_001165962.2); c.2263_2264del, p.Asp755fs (NM_173717.2); short protein forms D755fs, D716fs, D756fs.
Identifiers: ClinVar variation 847719 (VCV000847719.6), dbSNP rs2040267666, ClinGen allele CA916083534.
Genomic context (GRCh38, chr17:12,993,031, plus strand): 5'-CTCGATGTCGCCAGCAAACAGGGCTTTCAGTGGGGGAATCAGCTTGGGCATTGTTGGAAA[GTC>G]TCCAAAGCAGACCTAGAAGACACAATAGAAGACAAGGACATGTCTCAGAGGGGCAGGGGT-3'